The following is an entry in ClinVar:

ClinVar aggregate classification (germline): Uncertain significance (1 of 4 stars; one submission).

Conditions:
Wilson disease (WND). Also called: Wilson's disease. Identifiers: Orphanet 905, MedGen C0019202, MONDO:0010200, OMIM 277900. Disease mechanism: loss of function.

Submission:

Color Diagnostics, LLC DBA Color Health
Classification: Uncertain significance for Wilson disease. Last evaluated: 2025-08-10. Review status: criteria provided, single submitter. Criteria: ACMG Guidelines, 2015. Collection method: clinical testing. Allele origin: germline.
Comment: This variant is located in the 3' untranslated region of the ATP7B gene. To our knowledge, functional studies have not been reported for this variant. This variant has not been reported in individuals affected with ATP7B-related disorders in the literature. This variant has not been identified in the general population by the Genome Aggregation Database (gnomAD). The available evidence is insufficient to determine the role of this variant in disease conclusively. Therefore, this variant is classified as a Variant of Uncertain Significance.

NM_000053.4(ATP7B):c.*2del

Gene: ATP7B (ATPase copper transporting beta; minus strand). Cytogenetic location: 13q14.3.
Variant type: Deletion.
Coding change: c.*2del on transcript NM_000053.4 (MANE Select); 2 bases downstream of the stop codon, one base deleted (G; older notation c.*2delG).
Molecular consequence: 3 prime UTR variant.
Genome position (GRCh38, 1-based): chr13:51,934,754, C deleted on the plus strand (G on the coding strand, the reverse complement: ATP7B is on the minus strand). VCF-style (leftmost placement, unchanged base first): chr13-51934753-TC-T. GRCh37 (hg19) VCF-style: chr13-52508889-TC-T.
Other names: c.*2del (NM_001005918.3, NM_001243182.2, NM_001330578.2 and 37 more transcripts).
Identifiers: ClinVar variation 4756273 (VCV004756273.1).